The following is an entry in ClinVar:

NM_001365999.1(SZT2):c.2987T>C (p.Met996Thr)

Gene: SZT2 (SZT2 subunit of KICSTOR complex; plus strand). Cytogenetic location: 1p34.2.
Variant type: single nucleotide variant.
Coding change: c.2987T>C on transcript NM_001365999.1 (MANE Select); coding-DNA position 2987, T replaced by C.
Protein change: p.Met996Thr; replaces methionine 996 with threonine.
Molecular consequence: missense variant.
Genome position (GRCh38, 1-based): chr1:43,426,095, T>C. VCF-style: chr1-43426095-T-C. GRCh37 (hg19) VCF-style: chr1-43891766-T-C.
Other names: c.2987T>C, p.Met996Thr (NM_015284.4); short protein forms M996T.
Identifiers: ClinVar variation 948991 (VCV000948991.6), dbSNP rs1471802391, ClinGen allele CA340016146.
Genomic context (GRCh38, chr1:43,426,095, plus strand): 5'-TAGGATTGGATCAGGGAGGAGACACCTGCGTCCATGAGATCCCTTTCCATTTTGACCTAA[T>C]GGGATTGCTGCCACAGTGCCAGCAGCTCCAGATGTTCTTCCTCTTGCTTGCCAGAGGTAG-3'
Protein context (NP_001352928.1, residues 986-1006): VHEIPFHFDL[Met996Thr]GLLPQCQQLQ

ClinVar aggregate classification (germline): Uncertain significance. Review status: criteria provided, multiple submitters, no conflicts (2 of 4 stars). 2 submissions from 2 submitters: Uncertain significance (2). Last evaluated 2026-03-08.

Allele frequency attached by ClinVar (database versions not stated): gnomAD exomes below 0.00001; TOPMed below 0.00001; gnomAD 0.00001.
gnomAD v4.1: 3 of 1,614,050 alleles (0.00019%); highest among the groups gnomAD compares: Admixed American, 0.005%; no homozygotes.

Submissions (2):

GeneDx
Classification: Uncertain significance. Last evaluated: 2026-03-08. Review status: criteria provided, single submitter. Criteria: GeneDx Variant Classification Process June 2021. Collection method: clinical testing. Allele origin: germline.
Comment: Not observed at significant frequency in large population cohorts (gnomAD); In silico analysis suggests that this missense variant does not alter protein structure/function; Has not been previously published as pathogenic or benign to our knowledge

Labcorp Genetics (formerly Invitae), Labcorp
Classification: Uncertain significance. Last evaluated: 2022-08-10. Review status: criteria provided, single submitter. Criteria: Invitae Variant Classification Sherloc (09022015). Collection method: clinical testing. Allele origin: germline.
Comment: This variant has not been reported in the literature in individuals affected with SZT2-related conditions. This variant is present in population databases (no rsID available, gnomAD 0.006%). This sequence change replaces methionine, which is neutral and non-polar, with threonine, which is neutral and polar, at codon 996 of the SZT2 protein (p.Met996Thr). ClinVar contains an entry for this variant (Variation ID: 948991). In summary, the available evidence is currently insufficient to determine the role of this variant in disease. Therefore, it has been classified as a Variant of Uncertain Significance. Algorithms developed to predict the effect of missense changes on protein structure and function (SIFT, PolyPhen-2, Align-GVGD) all suggest that this variant is likely to be tolerated.